The following is an entry in ClinVar:

NC_000016.9:g.(?_75572014)_(75579853_75589701)dup

Gene: TMEM231 (transmembrane protein 231; minus strand). Cytogenetic location: 16q23.1.
Variant type: Duplication.
Identifiers: ClinVar variation 3896573 (VCV003896573.2).

ClinVar aggregate classification (germline): Uncertain significance (1 of 4 stars; one submission).

Submission:

Women's Health and Genetics/Laboratory Corporation of America, LabCorp
Classification: Uncertain significance. Last evaluated: 2025-04-01. Review status: criteria provided, single submitter. Criteria: LabCorp Variant Classification Summary - May 2015. Collection method: clinical testing. Allele origin: germline.
Comment: Variant summary: The variant involves the duplication of exons 2-6 in the TMEM231 gene. A presumed nomenclature of c.(468+1_469-1)_(*1878_?)dup has been designated for the purposes of this classification. The exact breakpoint at the 3' end of this variant is unknown, therefore this duplication may extend downstream of the annotated region of the gene. As it duplicates the termination codon, its effect on the encoded protein is unknown. The variant was absent in 21694 control chromosomes. The available data on variant occurrences in the general population are insufficient to allow any conclusion about variant significance. To our knowledge, no occurrence of c.(468+1_469-1)_(*1878_?)dup in individuals affected with Joubert Syndrome And Related Disorders and no experimental evidence demonstrating its impact on protein function have been reported. No submitters have cited clinical-significance assessments for this variant to ClinVar. Based on the evidence outlined above, the variant was classified as uncertain significance.